The following is an entry in ClinVar:

ClinVar aggregate classification (germline): Uncertain significance (1 of 4 stars; one submission).

Submission:

Labcorp Genetics (formerly Invitae), Labcorp
Classification: Uncertain significance. Last evaluated: 2022-02-03. Review status: criteria provided, single submitter. Criteria: Invitae Variant Classification Sherloc (09022015). Collection method: clinical testing. Allele origin: germline.
Comment: This variant has not been reported in the literature in individuals affected with UNC80-related conditions. In summary, the available evidence is currently insufficient to determine the role of this variant in disease. Therefore, it has been classified as a Variant of Uncertain Significance. Algorithms developed to predict the effect of missense changes on protein structure and function are either unavailable or do not agree on the potential impact of this missense change (SIFT: "Not Available"; PolyPhen-2: "Possibly Damaging"; Align-GVGD: "Not Available"). This variant is not present in population databases (gnomAD no frequency). This sequence change replaces methionine, which is neutral and non-polar, with leucine, which is neutral and non-polar, at codon 2172 of the UNC80 protein (p.Met2172Leu).

NM_001371986.1(UNC80):c.6712A>T (p.Met2238Leu)

Gene: UNC80 (unc-80 subunit of NALCN channel complex; plus strand). Cytogenetic location: 2q34.
Variant type: single nucleotide variant.
Coding change: c.6712A>T on transcript NM_001371986.1 (MANE Select); coding-DNA position 6712, A replaced by T.
Protein change: p.Met2238Leu; replaces methionine 2238 with leucine.
Molecular consequence: missense variant.
Genome position (GRCh38, 1-based): chr2:209,941,286, A>T. VCF-style: chr2-209941286-A-T. GRCh37 (hg19) VCF-style: chr2-210806010-A-T.
Other names: c.6514A>T, p.Met2172Leu (NM_032504.2); c.6499A>T, p.Met2167Leu (NM_182587.4); short protein forms M2238L, M2167L, M2172L.
Identifiers: ClinVar variation 1405115 (VCV001405115.8), dbSNP rs2124978948, ClinGen allele CA350772423.